The following is an entry in ClinVar:

ClinVar aggregate classification (germline): Uncertain significance (1 of 4 stars; one submission).

Conditions:
Epidermolysis bullosa simplex 5C, with pyloric atresia (EBS5C). Also called: PLEC1-Related Epidermolysis Bullosa with Pyloric Atresia; Epidermolysis bullosa simplex with pyloric atresia; PLEC-Related Epidermolysis Bullosa with Pyloric Atresia. Identifiers: Orphanet 158684, MedGen C2677349, MONDO:0012807, OMIM 612138.

Submission:

Baylor Genetics
Classification: Uncertain significance for Epidermolysis bullosa simplex 5C, with pyloric atresia. Last evaluated: 2018-10-05. Review status: criteria provided, single submitter. Criteria: ACMG Guidelines, 2015. Collection method: clinical testing. Allele origin: paternal. Affected: yes.
Comment: This variant was determined to be of uncertain significance according to ACMG Guidelines, 2015 [PMID:25741868].

NM_201384.3(PLEC):c.5865GGA[3] (p.Glu1956dup)

Gene: PLEC (plectin; minus strand). Cytogenetic location: 8q24.3.
Variant type: Microsatellite.
Coding change: c.5865GGA[3] on transcript NM_201384.3 (MANE Select); three copies in a row of the 3-base unit GGA starting at c.5865; the reference has two copies in a row; one copy, 3 bases duplicated.
Protein change: p.Glu1956dup; duplicates glutamic acid 1956.
Molecular consequence: inframe insertion.
Genome position (GRCh38, 1-based): chr8:143,924,059-143,924,061, TCC duplicated on the plus strand (GGA on the coding strand, the reverse complement: PLEC is on the minus strand); duplicating any 3 consecutive bases within chr8:143,924,059-143,924,064 gives the same sequence; the position shown is the placement nearest the transcript's 3' end. VCF-style (leftmost placement, unchanged base first): chr8-143924058-G-GTCC. GRCh37 (hg19) VCF-style: chr8-144998226-G-GTCC.
Other names: c.5946GGA[3], p.Glu1983dup (NM_000445.5); c.5823GGA[3], p.Glu1942dup (NM_201378.4); c.5799GGA[3], p.Glu1934dup (NM_201379.3); c.6276GGA[3], p.Glu2093dup (NM_201380.4); c.5769GGA[3], p.Glu1924dup (NM_201381.3); c.5865GGA[3], p.Glu1956dup (NM_201382.4); c.5877GGA[3], p.Glu1960dup (NM_201383.3).
Identifiers: ClinVar variation 1031817 (VCV001031817.1), dbSNP rs1823972982, ClinGen allele CA1826043732.